The following is an entry in ClinVar:

NM_033028.5(BBS4):c.220+1G>C

Gene: BBS4 (Bardet-Biedl syndrome 4; plus strand). Cytogenetic location: 15q24.1.
Variant type: single nucleotide variant.
Coding change: c.220+1G>C on transcript NM_033028.5 (MANE Select); the canonical splice donor site of the intron after coding-DNA position 220, G replaced by C.
Molecular consequence: splice donor variant.
Genome position (GRCh38, 1-based): chr15:72,712,308, G>C. VCF-style: chr15-72712308-G-C. GRCh37 (hg19) VCF-style: chr15-73004649-G-C.
Other names: NM_033028.3:IVS4+1G>C; c.220+1G>C (NM_001320665.2); c.-302+1G>C (NM_001252678.2).
Identifiers: ClinVar variation 21729 (VCV000021729.13), dbSNP rs113994190, ClinGen allele CA342422.
Genomic context (GRCh38, chr15:72,712,308, plus strand): 5'-TTATCAAAGAACAGCTTCAAGAGACTCAGGGATTGTGTGAATATGCTATCTATGTCCAAG[G>C]TAAGACACATACTTCTTGTCTTCTTGCTAGAGAAATACACTTTTCCTAGGTTCTTGAAAA-3'

ClinVar aggregate classification (germline): Pathogenic. Review status: criteria provided, multiple submitters, no conflicts (2 of 4 stars). 3 submissions from 3 submitters: Pathogenic (2). 1 of the submissions does not count toward it. Last evaluated 2021-11-29.

Conditions:
BBS4-related disorder. Also called: BBS4-related condition.
Bardet-Biedl syndrome (BBS). Identifiers: Orphanet 110, MedGen C0752166, MONDO:0015229.

Submissions (3):

Blueprint Genetics
Classification: Pathogenic for BBS4-related disorders. Last evaluated: 2021-11-29. Review status: criteria provided, single submitter. Criteria: ACMG Guidelines, 2015. Collection method: clinical testing. Allele origin: germline. Affected: yes. Observed: 1 variant allele.

Labcorp Genetics (formerly Invitae), Labcorp
Classification: Pathogenic for Bardet-Biedl syndrome. Last evaluated: 2016-08-10. Review status: criteria provided, single submitter. Criteria: Invitae Variant Classification Sherloc (09022015). Collection method: clinical testing. Allele origin: germline.
Comment: Loss-of-function variants in BBS4 are known to be pathogenic. This particular variant has been reported in individuals affected with Bardet–Biedl syndrome (PMID: 11381270). ClinVar contains an entry for this variant (Variation ID: 21729). For these reasons, this variant has been classified as Pathogenic. This sequence change affects a donor splice site in intron 4 of the BBS4 gene. It is expected to disrupt RNA splicing and likely results in an absent or disrupted protein product.

GeneReviews
Classification: Pathogenic for Bardet-Biedl Syndrome. Last evaluated: 2009-10-13. Review status: no assertion criteria provided. Collection method: curation. Allele origin: unknown. Not counted in ClinVar's aggregate classification.
ClinVar note: Converted during submission from pathologic to Pathogenic.

Literature cited by the submitters: PubMed 11381270 (cited by Labcorp Genetics (formerly Invitae), Labcorp).